The following is an entry in ClinVar:

NM_001620.3(AHNAK):c.7301G>A (p.Gly2434Asp)

Gene: AHNAK (AHNAK nucleoprotein; minus strand). Cytogenetic location: 11q12.3.
Variant type: single nucleotide variant.
Coding change: c.7301G>A on transcript NM_001620.3 (MANE Select); coding-DNA position 7301, G replaced by A.
Protein change: p.Gly2434Asp; replaces glycine 2434 with aspartic acid.
Molecular consequence: missense variant. On other transcripts: intron variant (1).
Genome position (GRCh38, 1-based): chr11:62,527,116, C>T on the plus strand (G>A on the coding strand, the complement: AHNAK is on the minus strand). VCF-style: chr11-62527116-C-T. GRCh37 (hg19) VCF-style: chr11-62294588-C-T.
Other names: c.7301G>A, p.Gly2434Asp (NM_001346445.2, NM_001346446.2); c.342+7887G>A (NM_024060.4); short protein forms G2434D.
Identifiers: ClinVar variation 721542 (VCV000721542.28), dbSNP rs114407546, ClinGen allele CA6045535.

ClinVar aggregate classification (germline): Benign/Likely benign. Review status: criteria provided, multiple submitters, no conflicts (2 of 4 stars). 3 submissions from 3 submitters: Benign (1); Likely benign (2). Last evaluated 2025-07-01.

Allele frequency attached by ClinVar (database versions not stated): gnomAD exomes 0.00011 and 0.00027; ExAC 0.00031; gnomAD 0.00084 and 0.00086; TOPMed 0.00097; ESP Exome Variant Server 0.00100; 1000 Genomes Project 0.00180; 1000 Genomes Project 30x 0.00203.
gnomAD v4.1: 293 of 1,614,066 alleles (0.018%); highest among the groups gnomAD compares: African/African-American, 0.34%; 1 homozygote.

Submissions (3):

CeGaT Center for Human Genetics Tuebingen
Classification: Benign. Last evaluated: 2025-07-01. Review status: criteria provided, single submitter. Criteria: CeGaT Center For Human Genetics Tuebingen Variant Classification Criteria Version 2. Collection method: clinical testing. Allele origin: germline. Affected: yes. Observed: 2 variant alleles.
Comment: AHNAK: BS1, BS2

Labcorp Genetics (formerly Invitae), Labcorp
Classification: Likely benign. Last evaluated: 2018-01-12. Review status: criteria provided, single submitter. Criteria: Invitae Variant Classification Sherloc (09022015). Collection method: clinical testing. Allele origin: germline.

Breakthrough Genomics
Classification: Likely benign. Review status: criteria provided, single submitter. Criteria: ACMG Guidelines, 2015. Collection method: not provided. Allele origin: germline. Inheritance: Unknown mechanism. Affected: yes.